The following is an entry in ClinVar:

NM_001844.5(COL2A1):c.871-2del

Gene: COL2A1 (collagen type II alpha 1 chain; minus strand). Cytogenetic location: 12q13.11.
Variant type: Deletion.
Coding change: c.871-2del on transcript NM_001844.5 (MANE Select); the canonical splice acceptor site of the intron before coding-DNA position 871, one base deleted (A; older notation c.871-2delA).
Molecular consequence: splice acceptor variant.
Genome position (GRCh38, 1-based): chr12:47,993,864, T deleted on the plus strand (A on the coding strand, the reverse complement: COL2A1 is on the minus strand). VCF-style (leftmost placement, unchanged base first): chr12-47993863-CT-C. GRCh37 (hg19) VCF-style: chr12-48387646-CT-C.
Other names: c.664-2del (NM_033150.3).
Identifiers: ClinVar variation 2750145 (VCV002750145.3), dbSNP rs2540168616, ClinGen allele CA2697559228.

ClinVar aggregate classification (germline): Likely pathogenic (1 of 4 stars; one submission).

Submission:

Labcorp Genetics (formerly Invitae), Labcorp
Classification: Likely pathogenic. Last evaluated: 2023-08-04. Review status: criteria provided, single submitter. Criteria: Invitae Variant Classification Sherloc (09022015). Collection method: clinical testing. Allele origin: germline.
Comment: In summary, the currently available evidence indicates that the variant is pathogenic, but additional data are needed to prove that conclusively. Therefore, this variant has been classified as Likely Pathogenic. Algorithms developed to predict the effect of sequence changes on RNA splicing suggest that this variant may disrupt the consensus splice site. This variant has not been reported in the literature in individuals affected with COL2A1-related conditions. This variant is not present in population databases (gnomAD no frequency). This sequence change affects a splice site in intron 13 of the COL2A1 gene. It is expected to disrupt RNA splicing. Variants that disrupt the donor or acceptor splice site typically lead to a loss of protein function (PMID: 16199547), and loss-of-function variants in COL2A1 are known to be pathogenic (PMID: 20179744).

Literature cited by the submitters: PubMed 16199547; PubMed 20179744.